The following is an entry in ClinVar:

ClinVar aggregate classification (germline): Uncertain significance (1 of 4 stars; one submission).

Conditions:
Leber congenital amaurosis 4 (LCA4). Identifiers: MedGen C1858386, MONDO:0011458, OMIM 604393.

Submission:

Labcorp Genetics (formerly Invitae), Labcorp
Classification: Uncertain significance for Leber congenital amaurosis 4. Last evaluated: 2022-08-20. Review status: criteria provided, single submitter. Criteria: Invitae Variant Classification Sherloc (09022015). Collection method: clinical testing. Allele origin: germline.
Comment: This sequence change replaces aspartic acid, which is acidic and polar, with asparagine, which is neutral and polar, at codon 136 of the AIPL1 protein (p.Asp136Asn). This variant is not present in population databases (gnomAD no frequency). This variant has not been reported in the literature in individuals affected with AIPL1-related conditions. Algorithms developed to predict the effect of missense changes on protein structure and function are either unavailable or do not agree on the potential impact of this missense change (SIFT: "Deleterious"; PolyPhen-2: "Probably Damaging"; Align-GVGD: "Class C0"). In summary, the available evidence is currently insufficient to determine the role of this variant in disease. Therefore, it has been classified as a Variant of Uncertain Significance.

NM_014336.5(AIPL1):c.406G>A (p.Asp136Asn)

Gene: AIPL1 (AIP like 1 HSP90 co-chaperone; minus strand). Cytogenetic location: 17p13.2.
Variant type: single nucleotide variant.
Coding change: c.406G>A on transcript NM_014336.5 (MANE Select); coding-DNA position 406, G replaced by A.
Protein change: p.Asp136Asn; replaces aspartic acid 136 with asparagine.
Molecular consequence: missense variant. On other transcripts: intron variant (1).
Genome position (GRCh38, 1-based): chr17:6,428,377, C>T on the plus strand (G>A on the coding strand, the complement: AIPL1 is on the minus strand). VCF-style: chr17-6428377-C-T. GRCh37 (hg19) VCF-style: chr17-6331697-C-T.
Other names: c.226G>A, p.Asp76Asn (NM_001033055.3); c.370G>A, p.Asp124Asn (NM_001285399.3); c.340G>A, p.Asp114Asn (NM_001285400.3); c.406G>A, p.Asp136Asn (NM_001285401.3, NM_001285403.4); c.289G>A, p.Asp97Asn (NM_001285402.2); c.277-1320G>A (NM_001033054.3); short protein forms D114N, D124N, D136N, D76N, D97N.
Identifiers: ClinVar variation 1717072 (VCV001717072.3), dbSNP rs2543892689, ClinGen allele CA397396238.